The following is an entry in ClinVar:

ClinVar aggregate classification (germline): Uncertain significance. Review status: criteria provided, multiple submitters, no conflicts (2 of 4 stars). 2 submissions from 2 submitters: Uncertain significance (2). Last evaluated 2023-10-01.

Conditions:
Congenital sideroblastic anemia-B-cell immunodeficiency-periodic fever-developmental delay syndrome. Also called: Sideroblastic anemia with B-cell immunodeficiency, periodic fevers, and developmental delay. Identifiers: Orphanet 369861, MedGen C4015172, MONDO:0014487, OMIM 616084.
Retinal dystrophy. Also called: Inherited retinal dystrophy. Identifiers: Orphanet 71862, MedGen C0854723, MeSH D058499, MONDO:0019118, HP:0000556.

gnomAD v4.1: 1 of 1,590,828 alleles (0.000063%); highest among the groups gnomAD compares: East Asian, 0.0023%; no homozygotes.

Submissions (2):

Dept Of Ophthalmology, Nagoya University
Classification: Uncertain significance for Retinal dystrophy. Last evaluated: 2023-10-01. Review status: criteria provided, single submitter. Criteria: Submitter's publication. Collection method: research. Allele origin: germline. Affected: yes.

Labcorp Genetics (formerly Invitae), Labcorp
Classification: Uncertain significance for Congenital sideroblastic anemia-B-cell immunodeficiency-periodic fever-developmental delay syndrome. Last evaluated: 2022-07-19. Review status: criteria provided, single submitter. Criteria: Invitae Variant Classification Sherloc (09022015). Collection method: clinical testing. Allele origin: germline.
Comment: In summary, the available evidence is currently insufficient to determine the role of this variant in disease. Therefore, it has been classified as a Variant of Uncertain Significance. Algorithms developed to predict the effect of missense changes on protein structure and function are either unavailable or do not agree on the potential impact of this missense change (SIFT: "Deleterious"; PolyPhen-2: "Possibly Damaging"; Align-GVGD: "Class C0"). ClinVar contains an entry for this variant (Variation ID: 1439376). This variant has not been reported in the literature in individuals affected with TRNT1-related conditions. This variant is not present in population databases (gnomAD no frequency). This sequence change replaces histidine, which is basic and polar, with glutamine, which is neutral and polar, at codon 57 of the TRNT1 protein (p.His57Gln).

NM_182916.3(TRNT1):c.171C>A (p.His57Gln)

Gene: TRNT1 (tRNA nucleotidyl transferase 1; plus strand). Cytogenetic location: 3p26.2.
Variant type: single nucleotide variant.
Coding change: c.171C>A on transcript NM_182916.3 (MANE Select); coding-DNA position 171, C replaced by A.
Protein change: p.His57Gln; replaces histidine 57 with glutamine.
Molecular consequence: missense variant. On other transcripts: non-coding transcript variant (8).
Genome position (GRCh38, 1-based): chr3:3,137,282, C>A. VCF-style: chr3-3137282-C-A. GRCh37 (hg19) VCF-style: chr3-3178966-C-A.
Other names: c.171C>A, p.His57Gln (NM_001302946.2, NM_001367321.1, NM_001367322.1 and 1 more transcripts); short protein forms H57Q.
Identifiers: ClinVar variation 1439376 (VCV001439376.10), dbSNP rs760080058, ClinGen allele CA351442964.
Genomic context (GRCh38, chr3:3,137,282, plus strand): 5'-GAACTTGGGAATAAAAATCTTATTTTCTCTCATCTCAGAATTATTTGTCAAAGAGAATCA[C>A]GAATTAAGAATAGCAGGAGGAGCAGTGAGGGATTTATTAAATGGAGTAAAGCCTCAGGAT-3'
Protein context (NP_886552.3, residues 47-67): SLTELFVKEN[His57Gln]ELRIAGGAVR